The following is an entry in ClinVar:

ClinVar aggregate classification (germline): Uncertain significance. Review status: criteria provided, multiple submitters, no conflicts (2 of 4 stars). 3 submissions from 3 submitters: Uncertain significance (3). Last evaluated 2026-04-22.

Conditions:
Multiple endocrine neoplasia, type 2 (MEN2). Identifiers: Orphanet 653, MedGen C4048306, MONDO:0019003. Disease mechanism: gain of function.
Multiple endocrine neoplasia type 2B. Also called: WAGENMANN-FROBOESE SYNDROME; MULTIPLE ENDOCRINE NEOPLASIA, TYPE III; MEN 2B; Multiple endocrine neoplasia, type 3; MULTIPLE ENDOCRINE NEOPLASIA, TYPE IIB; MEN IIB. Identifiers: Orphanet 247709, Orphanet 653, MedGen C0025269, MeSH D018814, MONDO:0008082, OMIM 162300.
Multiple endocrine neoplasia type 2A. Also called: MULTIPLE ENDOCRINE NEOPLASIA, TYPE IIA; PTC SYNDROME; SIPPLE SYNDROME; MEN 2A; MEN-2A syndrome; Pheochromocytoma and amyloid producing medullary thyroid carcinoma. Identifiers: Orphanet 247698, Orphanet 653, MedGen C0025268, MeSH D018813, MONDO:0008234, OMIM 171400.
Pheochromocytoma. Also called: MAX-Related Hereditary Paraganglioma-Pheochromocytoma Syndrome. Identifiers: Orphanet 29072, MedGen C0031511, MONDO:0008233, OMIM 171300, HP:0002666.
Familial medullary thyroid carcinoma (MTC). Also called: Thyroid cancer, familial medullary; MTC, familial; Familial Medullary Thyroid Carcinoma (FMTC). Identifiers: Orphanet 653, Orphanet 99361, MedGen C1833921, MONDO:0007958, OMIM 155240.
Hirschsprung disease, susceptibility to, 1 (HSCR1). Also called: RET-Related Hirschsprung Disease. Identifiers: Orphanet 388, MedGen C3888239, MONDO:0007723, OMIM 142623.
Hereditary cancer-predisposing syndrome. Also called: Hereditary neoplastic syndrome; Neoplastic Syndromes, Hereditary; Tumor predisposition; Hereditary Cancer Syndrome. Identifiers: Orphanet 140162, MedGen C0027672, MeSH D009386, MONDO:0015356.

Submissions (3):

Ambry Genetics
Classification: Uncertain significance for Hereditary cancer-predisposing syndrome. Last evaluated: 2026-04-22. Review status: criteria provided, single submitter. Criteria: Ambry Variant Classification Scheme 2023. Collection method: clinical testing. Allele origin: germline.
Comment: The p.P320R variant (also known as c.959C>G), located in coding exon 5 of the RET gene, results from a C to G substitution at nucleotide position 959. The proline at codon 320 is replaced by arginine, an amino acid with dissimilar properties. This amino acid position is not well conserved in available vertebrate species. In addition, this alteration is predicted to be tolerated by in silico analysis. Based on the available evidence, the clinical significance of this variant remains unclear.

Labcorp Genetics (formerly Invitae), Labcorp
Classification: Uncertain significance for Multiple endocrine neoplasia, type 2. Last evaluated: 2024-08-30. Review status: criteria provided, single submitter. Criteria: Invitae Variant Classification Sherloc (09022015). Collection method: clinical testing. Allele origin: germline.
Comment: This sequence change replaces proline, which is neutral and non-polar, with arginine, which is basic and polar, at codon 320 of the RET protein (p.Pro320Arg). This variant is not present in population databases (gnomAD no frequency). This variant has not been reported in the literature in individuals affected with RET-related conditions. ClinVar contains an entry for this variant (Variation ID: 1432768). An algorithm developed to predict the effect of missense changes on protein structure and function (PolyPhen-2) suggests that this variant is likely to be tolerated. In summary, the available evidence is currently insufficient to determine the role of this variant in disease. Therefore, it has been classified as a Variant of Uncertain Significance.

Fulgent Genetics
Classification: Uncertain significance for Hirschsprung disease, susceptibility to, 1; Familial medullary thyroid carcinoma; Multiple endocrine neoplasia type 2B; Pheochromocytoma; Multiple endocrine neoplasia type 2A. Last evaluated: 2024-04-30. Review status: criteria provided, single submitter. Criteria: ACMG Guidelines, 2015. Collection method: clinical testing. Allele origin: germline.

NM_020975.6(RET):c.959C>G (p.Pro320Arg)

Gene: RET (ret proto-oncogene; plus strand). Cytogenetic location: 10q11.21.
Variant type: single nucleotide variant.
Coding change: c.959C>G on transcript NM_020975.6 (MANE Select); coding-DNA position 959, C replaced by G.
Protein change: p.Pro320Arg; replaces proline 320 with arginine.
Molecular consequence: missense variant.
Genome position (GRCh38, 1-based): chr10:43,106,467, C>G. VCF-style: chr10-43106467-C-G. GRCh37 (hg19) VCF-style: chr10-43601915-C-G.
Other names: c.959C>G, p.Pro320Arg (NM_000323.2, NM_001406743.1, NM_001406744.1 and 6 more transcripts); c.197C>G, p.Pro66Arg (NM_001355216.2); c.830C>G, p.Pro277Arg (NM_001406761.1, NM_001406762.1, NM_001406764.1 and 1 more transcripts); c.671C>G, p.Pro224Arg (NM_001406766.1, NM_001406767.1, NM_001406770.1); short protein forms P320R, P66R, P224R, P277R.
Identifiers: ClinVar variation 1432768 (VCV001432768.9), dbSNP rs1837779952, ClinGen allele CA376546106.
Genomic context (GRCh38, chr10:43,106,467, plus strand): 5'-ATGCAGACGTGGTACCTGCATCAGGGGAGCTGGTGAGGCGGTACACAAGCACGCTGCTCC[C>G]CGGGGACACCTGGGCCCAGCAGACCTTCCGGGTGGAACACTGGCCCAACGAGACCTCGGT-3'
Protein context (NP_066124.1, residues 310-330): LVRRYTSTLL[Pro320Arg]GDTWAQQTFR